The following is an entry in ClinVar:

ClinVar aggregate classification (germline): Uncertain significance (1 of 4 stars; one submission).

Conditions:
Familial focal epilepsy with variable foci (FPEVF). Identifiers: Orphanet 98820, MedGen C1858477, MONDO:0020310.

Allele frequency attached by ClinVar (database versions not stated): gnomAD exomes below 0.00001 and 0.00001; gnomAD 0.00001; TOPMed 0.00001.
gnomAD v4.1: 3 of 1,614,080 alleles (0.00019%); highest among the groups gnomAD compares: South Asian, 0.0011%; no homozygotes.

Submission:

Labcorp Genetics (formerly Invitae), Labcorp
Classification: Uncertain significance for Familial focal epilepsy with variable foci. Last evaluated: 2025-06-23. Review status: criteria provided, single submitter. Criteria: Invitae Variant Classification Sherloc (09022015). Collection method: clinical testing. Allele origin: germline.
Comment: This sequence change replaces histidine, which is basic and polar, with tyrosine, which is neutral and polar, at codon 537 of the DEPDC5 protein (p.His537Tyr). The frequency data for this variant in the population databases is considered unreliable, as metrics indicate poor data quality at this position in the gnomAD database. This variant has not been reported in the literature in individuals affected with DEPDC5-related conditions. ClinVar contains an entry for this variant (Variation ID: 942674). Experimental studies and prediction algorithms are not available or were not evaluated, and the functional significance of this variant is currently unknown. In summary, the available evidence is currently insufficient to determine the role of this variant in disease. Therefore, it has been classified as a Variant of Uncertain Significance.

NM_001242896.3(DEPDC5):c.1609C>T (p.His537Tyr)

Gene: DEPDC5 (DEP domain containing 5, GATOR1 subcomplex subunit; plus strand). Cytogenetic location: 22q12.3.
Variant type: single nucleotide variant.
Coding change: c.1609C>T on transcript NM_001242896.3 (MANE Select); coding-DNA position 1609, C replaced by T.
Protein change: p.His537Tyr; replaces histidine 537 with tyrosine.
Molecular consequence: missense variant. On other transcripts: non-coding transcript variant (5).
Genome position (GRCh38, 1-based): chr22:31,815,155, C>T. VCF-style: chr22-31815155-C-T. GRCh37 (hg19) VCF-style: chr22-32211141-C-T.
Other names: c.1609C>T, p.His537Tyr (NM_001007188.4, NM_001136029.4, NM_001242897.2 and 7 more transcripts); c.1525C>T, p.His509Tyr (NM_001369901.1, NM_001369902.1); short protein forms H537Y, H509Y.
Identifiers: ClinVar variation 942674 (VCV000942674.7), dbSNP rs1314485669, ClinGen allele CA411278438.
Genomic context (GRCh38, chr22:31,815,155, plus strand): 5'-AGGAGCCAGGCTTCTGACGACAGCTCCCTAGGCAAGAGTGCCAACATCCTGATGATCCCA[C>T]ACCCCCACCTGCACCAGTATGAAGTCAGCAGCTCCTTGGGATACACCAGCACTCGAGGTA-3'
Protein context (NP_001229825.1, residues 527-547): GKSANILMIP[His537Tyr]PHLHQYEVSS